The following is an entry in ClinVar:

ClinVar aggregate classification (germline): Uncertain significance (1 of 4 stars; one submission).

Conditions:
Autosomal dominant limb-girdle muscular dystrophy type 1D (DNAJB6) (LGMDD1). Also called: MUSCULAR DYSTROPHY, LIMB-GIRDLE, TYPE 1D; MUSCULAR DYSTROPHY, AUTOSOMAL DOMINANT, WITH RIMMED VACUOLES; Autosomal dominant limb-girdle muscular dystrophy type 1D; Muscular dystrophy, limb-girdle, autosomal dominant 1. Identifiers: Orphanet 34516, MedGen C4721885, MONDO:0021018, OMIM 603511.

Submission:

Baylor Genetics
Classification: Uncertain significance for Autosomal dominant limb-girdle muscular dystrophy type 1D (DNAJB6). Last evaluated: 2020-02-21. Review status: criteria provided, single submitter. Criteria: ACMG Guidelines, 2015. Collection method: clinical testing. Allele origin: unknown. Affected: yes.
Comment: This variant was determined to be of uncertain significance according to ACMG Guidelines, 2015 [PMID:25741868].

NM_058246.4(DNAJB6):c.681A>C (p.Leu227Phe)

Gene: DNAJB6 (DnaJ heat shock protein family (Hsp40) member B6; plus strand). Cytogenetic location: 7q36.3.
Variant type: single nucleotide variant.
Coding change: c.681A>C on transcript NM_058246.4 (MANE Select); coding-DNA position 681, A replaced by C.
Protein change: p.Leu227Phe; replaces leucine 227 with phenylalanine.
Molecular consequence: missense variant. On other transcripts: intron variant (1).
Genome position (GRCh38, 1-based): chr7:157,385,601, A>C. VCF-style: chr7-157385601-A-C. GRCh37 (hg19) VCF-style: chr7-157178295-A-C.
Other names: c.681A>C, p.Leu227Phe (NM_005494.3); c.346+18118A>C (NM_001363676.1); short protein forms L227F.
Identifiers: ClinVar variation 1031056 (VCV001031056.1), dbSNP rs1801013553, ClinGen allele CA370167026.